The following is an entry in ClinVar:

ClinVar aggregate classification (germline): Uncertain significance (1 of 4 stars; one submission).

Allele frequency attached by ClinVar (database versions not stated): TOPMed below 0.00001; ExAC 0.00001; gnomAD 0.00001; gnomAD exomes 0.00001.
gnomAD v4.1: 9 of 1,600,586 alleles (0.00056%); highest among the groups gnomAD compares: Non-Finnish European, 0.00077%; no homozygotes.

Submission:

Labcorp Genetics (formerly Invitae), Labcorp
Classification: Uncertain significance. Last evaluated: 2025-03-02. Review status: criteria provided, single submitter. Criteria: Invitae Variant Classification Sherloc (09022015). Collection method: clinical testing. Allele origin: germline.
Comment: This sequence change replaces asparagine, which is neutral and polar, with serine, which is neutral and polar, at codon 844 of the POLR3B protein (p.Asn844Ser). This variant is present in population databases (rs547835696, gnomAD 0.0009%). This variant has not been reported in the literature in individuals affected with POLR3B-related conditions. ClinVar contains an entry for this variant (Variation ID: 2891078). An algorithm developed to predict the effect of missense changes on protein structure and function outputs the following: PolyPhen-2: "Benign". The serine amino acid residue is found in multiple mammalian species, which suggests that this missense change does not adversely affect protein function. In summary, the available evidence is currently insufficient to determine the role of this variant in disease. Therefore, it has been classified as a Variant of Uncertain Significance.

NM_018082.6(POLR3B):c.2531A>G (p.Asn844Ser)

Gene: POLR3B (RNA polymerase III subunit B; plus strand). Cytogenetic location: 12q23.3.
Variant type: single nucleotide variant.
Coding change: c.2531A>G on transcript NM_018082.6 (MANE Select); coding-DNA position 2531, A replaced by G.
Protein change: p.Asn844Ser; replaces asparagine 844 with serine.
Molecular consequence: missense variant.
Genome position (GRCh38, 1-based): chr12:106,459,329, A>G. VCF-style: chr12-106459329-A-G. GRCh37 (hg19) VCF-style: chr12-106853107-A-G.
Other names: c.2357A>G, p.Asn786Ser (NM_001160708.2); short protein forms N786S, N844S.
Identifiers: ClinVar variation 2891078 (VCV002891078.3), dbSNP rs547835696, ClinGen allele CA6762219.